The following is an entry in ClinVar:

NM_152703.5(SAMD9L):c.3948A>C (p.Gln1316His)

Gene: SAMD9L (sterile alpha motif domain containing 9 like; minus strand). Cytogenetic location: 7q21.2.
Variant type: single nucleotide variant.
Coding change: c.3948A>C on transcript NM_152703.5 (MANE Select); coding-DNA position 3948, A replaced by C.
Protein change: p.Gln1316His; replaces glutamine 1316 with histidine.
Molecular consequence: missense variant.
Genome position (GRCh38, 1-based): chr7:93,132,024, T>G on the plus strand (A>C on the coding strand, the complement: SAMD9L is on the minus strand). VCF-style: chr7-93132024-T-G. GRCh37 (hg19) VCF-style: chr7-92761337-T-G.
Other names: c.3948A>C, p.Gln1316His (NM_001303496.3, NM_001303497.3, NM_001303498.3 and 5 more transcripts); short protein forms Q1316H.
Identifiers: ClinVar variation 2769948 (VCV002769948.3), dbSNP rs2535407712, ClinGen allele CA368178755.
Genomic context (GRCh38, chr7:93,132,024, plus strand): 5'-TCTCAGAGCTTCTAGCTTTTTCCTGCAATTCTCCTCCTGGAGTAATTGACTCTCTTTACT[T>G]TGTAATAGACATGGATCCAAATGACAGAAAAGTTCTGTGTATTTCCTGAAACAACGACTG-3'
Protein context (NP_689916.2, residues 1306-1326): LFCHLDPCLL[Gln1316His]SKESQLLQEE

ClinVar aggregate classification (germline): Uncertain significance (1 of 4 stars; one submission).

Submission:

Labcorp Genetics (formerly Invitae), Labcorp
Classification: Uncertain significance. Last evaluated: 2023-10-18. Review status: criteria provided, single submitter. Criteria: Invitae Variant Classification Sherloc (09022015). Collection method: clinical testing. Allele origin: germline.
Comment: This sequence change replaces glutamine, which is neutral and polar, with histidine, which is basic and polar, at codon 1316 of the SAMD9L protein (p.Gln1316His). This variant is not present in population databases (gnomAD no frequency). This variant has not been reported in the literature in individuals affected with SAMD9L-related conditions. An algorithm developed to predict the effect of missense changes on protein structure and function (PolyPhen-2) suggests that this variant is likely to be tolerated. In summary, the available evidence is currently insufficient to determine the role of this variant in disease. Therefore, it has been classified as a Variant of Uncertain Significance.